The following is an entry in ClinVar:

NM_004984.4(KIF5A):c.802G>T (p.Ala268Ser)

Gene: KIF5A (kinesin family member 5A; plus strand). Cytogenetic location: 12q13.3.
Variant type: single nucleotide variant.
Coding change: c.802G>T on transcript NM_004984.4 (MANE Select); coding-DNA position 802, G replaced by T.
Protein change: p.Ala268Ser; replaces alanine 268 with serine.
Molecular consequence: missense variant.
Genome position (GRCh38, 1-based): chr12:57,569,050, G>T. VCF-style: chr12-57569050-G-T. GRCh37 (hg19) VCF-style: chr12-57962833-G-T.
Other names: c.535G>T, p.Ala179Ser (NM_001354705.2); short protein forms A268S, A179S.
Identifiers: ClinVar variation 1438634 (VCV001438634.8), dbSNP rs139015012, ClinGen allele CA385500283.
Genomic context (GRCh38, chr12:57,569,050, plus strand): 5'-GTGCTGGACGAGGCAAAGAATATCAACAAGTCACTGTCAGCTCTGGGCAATGTGATCTCC[G>T]CACTGGCTGAGGGCACTGTGAGTGATCCTTAGGTCCCCTCACCCCTCAAGCCACACCCCA-3'
Protein context (NP_004975.2, residues 258-278): SLSALGNVIS[Ala268Ser]LAEGTKSYVP

ClinVar aggregate classification (germline): Uncertain significance (1 of 4 stars; one submission).

Conditions:
Spastic paraplegia. Identifiers: MedGen C0037772, HP:0001258.

Submission:

Labcorp Genetics (formerly Invitae), Labcorp
Classification: Uncertain significance for Spastic paraplegia. Last evaluated: 2022-02-02. Review status: criteria provided, single submitter. Criteria: Invitae Variant Classification Sherloc (09022015). Collection method: clinical testing. Allele origin: germline.
Comment: In summary, the available evidence is currently insufficient to determine the role of this variant in disease. Therefore, it has been classified as a Variant of Uncertain Significance. Advanced modeling of protein sequence and biophysical properties (such as structural, functional, and spatial information, amino acid conservation, physicochemical variation, residue mobility, and thermodynamic stability) performed at Invitae indicates that this missense variant is not expected to disrupt KIF5A protein function. This variant has not been reported in the literature in individuals affected with KIF5A-related conditions. This variant is not present in population databases (gnomAD no frequency). This sequence change replaces alanine, which is neutral and non-polar, with serine, which is neutral and polar, at codon 268 of the KIF5A protein (p.Ala268Ser).